The following is an entry in ClinVar:

ClinVar aggregate classification (germline): Uncertain significance (1 of 4 stars; one submission).

Conditions:
Intellectual disability, autosomal recessive 53 (NEDHSCA). Also called: NEURODEVELOPMENTAL DISORDER WITH OR WITHOUT HYPOTONIA, SEIZURES, AND CEREBELLAR ATROPHY; GLYCOSYLPHOSPHATIDYLINOSITOL BIOSYNTHESIS DEFECT 13; Mental retardation, autosomal recessive 53. Identifiers: Orphanet 488635, MedGen C4310794, MONDO:0014832, OMIM 616917.

Allele frequency attached by ClinVar (database versions not stated): gnomAD exomes below 0.00001 and 0.00001; gnomAD 0.00001; TOPMed 0.00003.
gnomAD v4.1: 8 of 1,614,080 alleles (0.0005%); highest among the groups gnomAD compares: Admixed American, 0.0017%; no homozygotes.

Submission:

Labcorp Genetics (formerly Invitae), Labcorp
Classification: Uncertain significance for Intellectual disability, autosomal recessive 53. Last evaluated: 2023-12-06. Review status: criteria provided, single submitter. Criteria: Invitae Variant Classification Sherloc (09022015). Collection method: clinical testing. Allele origin: germline.
Comment: This sequence change replaces valine, which is neutral and non-polar, with alanine, which is neutral and non-polar, at codon 903 of the PIGG protein (p.Val903Ala). This variant is present in population databases (no rsID available, gnomAD 0.003%). This variant has not been reported in the literature in individuals affected with PIGG-related conditions. ClinVar contains an entry for this variant (Variation ID: 1003238). Advanced modeling of protein sequence and biophysical properties (such as structural, functional, and spatial information, amino acid conservation, physicochemical variation, residue mobility, and thermodynamic stability) performed at Invitae indicates that this missense variant is not expected to disrupt PIGG protein function with a negative predictive value of 80%. In summary, the available evidence is currently insufficient to determine the role of this variant in disease. Therefore, it has been classified as a Variant of Uncertain Significance.

NM_001127178.3(PIGG):c.2708T>C (p.Val903Ala)

Gene: PIGG (phosphatidylinositol glycan anchor biosynthesis class G (EMM blood group); plus strand). Cytogenetic location: 4p16.3.
Variant type: single nucleotide variant.
Coding change: c.2708T>C on transcript NM_001127178.3 (MANE Select); coding-DNA position 2708, T replaced by C.
Protein change: p.Val903Ala; replaces valine 903 with alanine.
Molecular consequence: missense variant. On other transcripts: non-coding transcript variant (10).
Genome position (GRCh38, 1-based): chr4:533,954, T>C. VCF-style: chr4-533954-T-C. GRCh37 (hg19) VCF-style: chr4-527743-T-C.
Other names: c.2441T>C, p.Val814Ala (NM_001289051.2, NM_001345986.2); c.2309T>C, p.Val770Ala (NM_001289052.2); c.2417T>C, p.Val806Ala (NM_001345987.2); c.1679T>C, p.Val560Ala (NM_001345988.2); c.1175T>C, p.Val392Ala (NM_001345990.2, NM_001345991.2); c.1610T>C, p.Val537Ala (NM_001345994.2); c.2684T>C, p.Val895Ala (NM_017733.5); short protein forms V392A, V537A, V560A, V770A, V806A, V814A, V895A, V903A.
Identifiers: ClinVar variation 1003238 (VCV001003238.7), dbSNP rs960399559, ClinGen allele CA91076490.